The following is an entry in ClinVar:

ClinVar aggregate classification (germline): Uncertain significance (1 of 4 stars; one submission).

Conditions:
Brown-Vialetto-van Laere syndrome 2. Also called: SPINOCEREBELLAR ATAXIA WITH BLINDNESS AND DEAFNESS 2; Riboflavin transporter deficiency type 2. Identifiers: Orphanet 572543, Orphanet 97229, MedGen C3553538, MONDO:0013867, OMIM 614707.

Allele frequency attached by ClinVar (database versions not stated): TOPMed below 0.00001.

Submission:

Labcorp Genetics (formerly Invitae), Labcorp
Classification: Uncertain significance for Brown-Vialetto-van Laere syndrome 2. Last evaluated: 2022-03-05. Review status: criteria provided, single submitter. Criteria: Invitae Variant Classification Sherloc (09022015). Collection method: clinical testing. Allele origin: germline.
Comment: In summary, the available evidence is currently insufficient to determine the role of this variant in disease. Therefore, it has been classified as a Variant of Uncertain Significance. Algorithms developed to predict the effect of missense changes on protein structure and function (SIFT, PolyPhen-2, Align-GVGD) all suggest that this variant is likely to be tolerated. This variant has not been reported in the literature in individuals affected with SLC52A2-related conditions. This variant is not present in population databases (gnomAD no frequency). This sequence change replaces serine, which is neutral and polar, with threonine, which is neutral and polar, at codon 394 of the SLC52A2 protein (p.Ser394Thr).

NM_001363118.2(SLC52A2):c.1181G>C (p.Ser394Thr)

Gene: SLC52A2 (solute carrier family 52 member 2; plus strand). Cytogenetic location: 8q24.3.
Variant type: single nucleotide variant.
Coding change: c.1181G>C on transcript NM_001363118.2 (MANE Select); coding-DNA position 1181, G replaced by C.
Protein change: p.Ser394Thr; replaces serine 394 with threonine.
Molecular consequence: missense variant. On other transcripts: non-coding transcript variant (1).
Genome position (GRCh38, 1-based): chr8:144,360,858, G>C. VCF-style: chr8-144360858-G-C. GRCh37 (hg19) VCF-style: chr8-145584518-G-C.
Other names: c.1181G>C, p.Ser394Thr (NM_001253815.2, NM_001253816.2, NM_001363120.2 and 2 more transcripts); c.689G>C, p.Ser230Thr (NM_001363122.2); c.917G>C, p.Ser306Thr (NM_001410949.1); short protein forms S230T, S306T, S394T.
Identifiers: ClinVar variation 1978286 (VCV001978286.4), dbSNP rs1564657964, ClinGen allele CA372629480.